The following is an entry in ClinVar:

NM_018941.4(CLN8):c.160del (p.Arg54fs)

Gene: CLN8 (CLN8 transmembrane ER and ERGIC protein; plus strand). Cytogenetic location: 8p23.3.
Variant type: Deletion.
Coding change: c.160del on transcript NM_018941.4 (MANE Select); coding-DNA position 160, one base deleted (C; older notation c.160delC).
Protein change: p.Arg54fs; shifts the reading frame from arginine 54.
Molecular consequence: frameshift variant.
Genome position (GRCh38, 1-based): chr8:1,771,214, C deleted; the last of 2 consecutive C bases (chr8:1,771,213-1,771,214); deleting either gives the same sequence. VCF-style (leftmost placement, unchanged base first): chr8-1771212-AC-A. GRCh37 (hg19) VCF-style: chr8-1719378-AC-A.
Other names: short protein forms R54fs.
Identifiers: ClinVar variation 2748417 (VCV002748417.3), dbSNP rs2486438692, ClinGen allele CA2697549727.

ClinVar aggregate classification (germline): Pathogenic (1 of 4 stars; one submission).

Conditions:
Neuronal ceroid lipofuscinosis. Also called: Neuronal Ceroid Lipofuscinoses. Identifiers: Orphanet 216, Orphanet 79263, MedGen C0027877, MONDO:0016295. Disease mechanism: loss of function.

Submission:

Labcorp Genetics (formerly Invitae), Labcorp
Classification: Pathogenic for Neuronal ceroid lipofuscinosis. Last evaluated: 2023-07-30. Review status: criteria provided, single submitter. Criteria: Invitae Variant Classification Sherloc (09022015). Collection method: clinical testing. Allele origin: germline.
Comment: For these reasons, this variant has been classified as Pathogenic. This variant has not been reported in the literature in individuals affected with CLN8-related conditions. This variant is not present in population databases (gnomAD no frequency). This sequence change creates a premature translational stop signal (p.Arg54Valfs*73) in the CLN8 gene. It is expected to result in an absent or disrupted protein product. Loss-of-function variants in CLN8 are known to be pathogenic (PMID: 15024724).

Literature cited by the submitters: PubMed 15024724.